The following is an entry in ClinVar:

NM_000152.5(GAA):c.1393G>T (p.Gly465Trp)

Gene: GAA (alpha glucosidase; plus strand). Cytogenetic location: 17q25.3.
Variant type: single nucleotide variant.
Coding change: c.1393G>T on transcript NM_000152.5 (MANE Select); coding-DNA position 1393, G replaced by T.
Protein change: p.Gly465Trp; replaces glycine 465 with tryptophan.
Molecular consequence: missense variant.
Genome position (GRCh38, 1-based): chr17:80,110,011, G>T. VCF-style: chr17-80110011-G-T. GRCh37 (hg19) VCF-style: chr17-78083810-G-T.
Other names: c.1393G>T, p.Gly465Trp (NM_001079803.3, NM_001079804.3, NM_001406741.1 and 1 more transcripts); short protein forms G465W.
Identifiers: ClinVar variation 2037272 (VCV002037272.1), dbSNP rs1257379580, ClinGen allele CA401366499.
Genomic context (GRCh38, chr17:80,110,011, plus strand): 5'-GCCATCAGCAGCTCGGGCCCTGCCGGGAGCTACAGGCCCTACGACGAGGGTCTGCGGAGG[G>T]GGGTTTTCATCACCAACGAGACCGGCCAGCCGCTGATTGGGAAGGTAGGGCGAGGGTCCA-3'
Protein context (NP_000143.2, residues 455-475): YRPYDEGLRR[Gly465Trp]VFITNETGQP

ClinVar aggregate classification (germline): Uncertain significance (1 of 4 stars; one submission).

Conditions:
Glycogen storage disease, type II (IOPD). Also called: Glycogen storage disease type 2; Acid maltase deficiency disease; Aglucosidase alfa; Deficiency of alpha-glucosidase; Deficiency of lysosomal alpha-glucosidase; GLYCOGENOSIS, GENERALIZED, CARDIAC FORM. Identifiers: Orphanet 365, MedGen C0017921, MONDO:0009290, OMIM 232300.

gnomAD v4.1: 2 of 1,613,358 alleles (0.00012%); highest among the groups gnomAD compares: Middle Eastern, 0.033%; no homozygotes.

Submission:

Labcorp Genetics (formerly Invitae), Labcorp
Classification: Uncertain significance for Glycogen storage disease, type II. Last evaluated: 2022-01-31. Review status: criteria provided, single submitter. Criteria: Invitae Variant Classification Sherloc (09022015). Collection method: clinical testing. Allele origin: germline.
Comment: This sequence change replaces glycine, which is neutral and non-polar, with tryptophan, which is neutral and slightly polar, at codon 465 of the GAA protein (p.Gly465Trp). This variant is present in population databases (no rsID available, gnomAD 0.007%). This variant has not been reported in the literature in individuals affected with GAA-related conditions. Advanced modeling of protein sequence and biophysical properties (such as structural, functional, and spatial information, amino acid conservation, physicochemical variation, residue mobility, and thermodynamic stability) performed at Invitae indicates that this missense variant is expected to disrupt GAA protein function. Algorithms developed to predict the effect of sequence changes on RNA splicing suggest that this variant may create or strengthen a splice site. In summary, the available evidence is currently insufficient to determine the role of this variant in disease. Therefore, it has been classified as a Variant of Uncertain Significance.